The following is an entry in ClinVar:

NM_017433.5(MYO3A):c.487G>A (p.Gly163Arg)

Gene: MYO3A (myosin IIIA; plus strand). Cytogenetic location: 10p12.1.
Variant type: single nucleotide variant.
Coding change: c.487G>A on transcript NM_017433.5 (MANE Select); coding-DNA position 487, G replaced by A.
Protein change: p.Gly163Arg; replaces glycine 163 with arginine.
Molecular consequence: missense variant.
Genome position (GRCh38, 1-based): chr10:25,997,237, G>A. VCF-style: chr10-25997237-G-A. GRCh37 (hg19) VCF-style: chr10-26286166-G-A.
Other names: c.487G>A, p.Gly163Arg (NM_001368265.1); short protein forms G163R.
Identifiers: ClinVar variation 2410258 (VCV002410258.7), dbSNP rs148923237, ClinGen allele CA5444321.
Genomic context (GRCh38, chr10:25,997,237, plus strand): 5'-AACAACAAAACTATCCACAGAGATGTGAAAGGCAATAACATTCTATTGACCACGGAAGGT[G>A]GAGTGAAACTAGTAGATTTTGGTAAGTTTTGTTTAAAATGCATGAGTTTTAACTCCATAA-3'
Protein context (NP_059129.3, residues 153-173): GNNILLTTEG[Gly163Arg]VKLVDFGVSA

ClinVar aggregate classification (germline): Uncertain significance. Review status: criteria provided, multiple submitters, no conflicts (2 of 4 stars). 4 submissions from 4 submitters: Uncertain significance (4). Last evaluated 2025-05-27.

Conditions:
Inborn genetic diseases. Identifiers: MedGen C0950123, MeSH D030342.

Allele frequency attached by ClinVar (database versions not stated): gnomAD exomes 0.00001; ExAC 0.00002; gnomAD 0.00011; TOPMed 0.00013; ESP Exome Variant Server 0.00015.
gnomAD v4.1: 35 of 1,612,698 alleles (0.0022%); highest among the groups gnomAD compares: African/African-American, 0.037%; no homozygotes.

Submissions (4):

Labcorp Genetics (formerly Invitae), Labcorp
Classification: Uncertain significance. Last evaluated: 2025-05-27. Review status: criteria provided, single submitter. Criteria: Invitae Variant Classification Sherloc (09022015). Collection method: clinical testing. Allele origin: germline.
Comment: This sequence change replaces glycine, which is neutral and non-polar, with arginine, which is basic and polar, at codon 163 of the MYO3A protein (p.Gly163Arg). This variant is present in population databases (rs148923237, gnomAD 0.04%). This variant has not been reported in the literature in individuals affected with MYO3A-related conditions. ClinVar contains an entry for this variant (Variation ID: 2410258). An algorithm developed to predict the effect of missense changes on protein structure and function (PolyPhen-2) suggests that this variant is likely to be disruptive. In summary, the available evidence is currently insufficient to determine the role of this variant in disease. Therefore, it has been classified as a Variant of Uncertain Significance.

Ambry Genetics
Classification: Uncertain significance for Inborn genetic diseases. Last evaluated: 2024-11-26. Review status: criteria provided, single submitter. Criteria: Ambry Variant Classification Scheme 2023. Collection method: clinical testing. Allele origin: germline.

GeneDx
Classification: Uncertain significance. Last evaluated: 2024-06-25. Review status: criteria provided, single submitter. Criteria: GeneDx Variant Classification Process June 2021. Collection method: clinical testing. Allele origin: germline. Affected: yes.
Comment: In silico analysis supports that this missense variant has a deleterious effect on protein structure/function; Has not been previously published as pathogenic or benign to our knowledge

Blueprint Genetics
Classification: Uncertain significance. Last evaluated: 2021-06-10. Review status: criteria provided, single submitter. Criteria: ACMG Guidelines, 2015. Collection method: clinical testing. Allele origin: germline.